The following is an entry in ClinVar:

NM_001386298.1(CIC):c.895C>T (p.Arg299Cys)

Gene: CIC (capicua transcriptional repressor; plus strand). Cytogenetic location: 19q13.2.
Variant type: single nucleotide variant.
Coding change: c.895C>T on transcript NM_001386298.1 (MANE Select); coding-DNA position 895, C replaced by T.
Protein change: p.Arg299Cys; replaces arginine 299 with cysteine.
Molecular consequence: missense variant. On other transcripts: genic upstream transcript variant (1).
Genome position (GRCh38, 1-based): chr19:42,272,678, C>T. VCF-style: chr19-42272678-C-T. GRCh37 (hg19) VCF-style: chr19-42776830-C-T.
Other names: c.895C>T, p.Arg299Cys (NM_001304815.2, NM_001379480.1, NM_001379482.1); c.-12027C>T (NM_015125.5); short protein forms R299C.
Identifiers: ClinVar variation 3339364 (VCV003339364.2).
Genomic context (GRCh38, chr19:42,272,678, plus strand): 5'-GCTGCCTACCGGGAAGGTGTGGTGGTGGAGGTGGCCACCAAGCCAGCTGCCTACAAGGTC[C>T]GTCTCAGCCCTGGCCCCAGCTCCCAGCCAGGCCTACCAGGCAGCCTCCCGCAGCCCCCAC-3'
Protein context (NP_001373227.1, residues 289-309): VATKPAAYKV[Arg299Cys]LSPGPSSQPG

ClinVar aggregate classification (germline): Uncertain significance (1 of 4 stars; one submission).

Submission:

Women's Health and Genetics/Laboratory Corporation of America, LabCorp
Classification: Uncertain significance. Last evaluated: 2025-05-21. Review status: criteria provided, single submitter. Criteria: LabCorp Variant Classification Summary - May 2015. Collection method: clinical testing. Allele origin: germline.
Comment: Variant summary: CIC c.-12027C>T is located in the untranscribed region upstream of the CIC gene region. It is also known as c.895C>T (p.Arg299Cys) on alternative transcript NM_001304815. The variant allele was found at a frequency of 7.2e-05 in 13878 control chromosomes. The available data on variant occurrences in the general population are insufficient to allow any conclusion about variant significance. To our knowledge, no occurrence of c.-12027C>T in individuals affected with Mental Retardation, Autosomal Dominant 45 and no experimental evidence demonstrating its impact on protein function have been reported. ClinVar contains an entry for this variant (Variation ID: 3339364). Based on the evidence outlined above, the variant was classified as uncertain significance.